The following is an entry in ClinVar:

NM_020964.3(EPG5):c.7690C>T (p.Leu2564Phe)

Gene: EPG5 (ectopic P-granules 5 autophagy tethering factor; minus strand). Cytogenetic location: 18q12.3.
Variant type: single nucleotide variant.
Coding change: c.7690C>T on transcript NM_020964.3 (MANE Select); coding-DNA position 7690, C replaced by T.
Protein change: p.Leu2564Phe; replaces leucine 2564 with phenylalanine.
Molecular consequence: missense variant.
Genome position (GRCh38, 1-based): chr18:45,852,517, G>A on the plus strand (C>T on the coding strand, the complement: EPG5 is on the minus strand). VCF-style: chr18-45852517-G-A. GRCh37 (hg19) VCF-style: chr18-43432482-G-A.
Other names: short protein forms L2564F.
Identifiers: ClinVar variation 1405510 (VCV001405510.9), dbSNP rs2145146898, ClinGen allele CA402335196.

ClinVar aggregate classification (germline): Uncertain significance (1 of 4 stars; one submission).

Conditions:
Vici syndrome (VICIS). Identifiers: Orphanet 1493, MedGen C1855772, MONDO:0009452, OMIM 242840.

Submission:

Labcorp Genetics (formerly Invitae), Labcorp
Classification: Uncertain significance for Vici syndrome. Last evaluated: 2022-10-17. Review status: criteria provided, single submitter. Criteria: Invitae Variant Classification Sherloc (09022015). Collection method: clinical testing. Allele origin: germline.
Comment: In summary, the available evidence is currently insufficient to determine the role of this variant in disease. Therefore, it has been classified as a Variant of Uncertain Significance. Advanced modeling of protein sequence and biophysical properties (such as structural, functional, and spatial information, amino acid conservation, physicochemical variation, residue mobility, and thermodynamic stability) performed at Invitae indicates that this missense variant is expected to disrupt EPG5 protein function. ClinVar contains an entry for this variant (Variation ID: 1405510). This variant has not been reported in the literature in individuals affected with EPG5-related conditions. This variant is not present in population databases (gnomAD no frequency). This sequence change replaces leucine, which is neutral and non-polar, with phenylalanine, which is neutral and non-polar, at codon 2564 of the EPG5 protein (p.Leu2564Phe).